The following is an entry in ClinVar:

NM_005732.4(RAD50):c.403G>A (p.Glu135Lys)

Gene: RAD50 (RAD50 double strand break repair protein; plus strand). Cytogenetic location: 5q31.1.
Variant type: single nucleotide variant.
Coding change: c.403G>A on transcript NM_005732.4 (MANE Select); coding-DNA position 403, G replaced by A.
Protein change: p.Glu135Lys; replaces glutamic acid 135 with lysine.
Molecular consequence: missense variant.
Genome position (GRCh38, 1-based): chr5:132,579,354, G>A. VCF-style: chr5-132579354-G-A. GRCh37 (hg19) VCF-style: chr5-131915046-G-A.
Other names: short protein forms E135K.
Identifiers: ClinVar variation 219474 (VCV000219474.16), dbSNP rs762674380, ClinGen allele CA348041.

ClinVar aggregate classification (germline): Uncertain significance. Review status: criteria provided, multiple submitters, no conflicts (2 of 4 stars). 2 submissions from 2 submitters: Uncertain significance (2). Last evaluated 2025-08-07.

Conditions:
Hereditary cancer-predisposing syndrome. Also called: Hereditary neoplastic syndrome; Tumor predisposition; Hereditary Cancer Syndrome; Neoplastic Syndromes, Hereditary. Identifiers: Orphanet 140162, MedGen C0027672, MeSH D009386, MONDO:0015356.

Allele frequency attached by ClinVar (database versions not stated): TOPMed below 0.00001; ExAC 0.00001; gnomAD exomes 0.00001 and 0.00002.
gnomAD v4.1: 14 of 1,614,012 alleles (0.00087%); highest among the groups gnomAD compares: Non-Finnish European, 0.0012%; no homozygotes.

Submissions (2):

Labcorp Genetics (formerly Invitae), Labcorp
Classification: Uncertain significance for Hereditary cancer-predisposing syndrome. Last evaluated: 2025-08-07. Review status: criteria provided, single submitter. Criteria: Invitae Variant Classification Sherloc (09022015). Collection method: clinical testing. Allele origin: germline.
Comment: This sequence change replaces glutamic acid, which is acidic and polar, with lysine, which is basic and polar, at codon 135 of the RAD50 protein (p.Glu135Lys). This variant is present in population databases (rs762674380, gnomAD 0.004%). This variant has not been reported in the literature in individuals affected with RAD50-related conditions. ClinVar contains an entry for this variant (Variation ID: 219474). Invitae Evidence Modeling of protein sequence and biophysical properties (such as structural, functional, and spatial information, amino acid conservation, physicochemical variation, residue mobility, and thermodynamic stability) indicates that this missense variant is expected to disrupt RAD50 protein function with a positive predictive value of 80%. In summary, the available evidence is currently insufficient to determine the role of this variant in disease. Therefore, it has been classified as a Variant of Uncertain Significance.

Ambry Genetics
Classification: Uncertain significance for Hereditary cancer-predisposing syndrome. Last evaluated: 2024-09-09. Review status: criteria provided, single submitter. Criteria: Ambry Variant Classification Scheme 2023. Collection method: clinical testing. Allele origin: germline.
Comment: The p.E135K variant (also known as c.403G>A), located in coding exon 4 of the RAD50 gene, results from a G to A substitution at nucleotide position 403. The glutamic acid at codon 135 is replaced by lysine, an amino acid with similar properties. This amino acid position is well conserved in available vertebrate species. In addition, the in silico prediction for this alteration is inconclusive. Since supporting evidence is limited at this time, the clinical significance of this alteration remains unclear.